The following is an entry in ClinVar:

NM_080425.4(GNAS):c.1277C>G (p.Ala426Gly)

Gene: GNAS (GNAS complex locus; plus strand). Cytogenetic location: 20q13.32.
Variant type: single nucleotide variant.
Coding change: c.1277C>G on transcript NM_080425.4 (MANE Plus Clinical); coding-DNA position 1277, C replaced by G.
Protein change: p.Ala426Gly; replaces alanine 426 with glycine.
Molecular consequence: missense variant. On other transcripts: intron variant (3).
Genome position (GRCh38, 1-based): chr20:58,854,542, C>G. VCF-style: chr20-58854542-C-G. GRCh37 (hg19) VCF-style: chr20-57429597-C-G.
Other names: c.1090C>G, p.Gln364Glu (NM_001077490.3, NM_001309883.1); c.1277C>G, p.Ala426Gly (NM_001410913.1); c.*42+13656C>G (NM_016592.5); c.43+13656C>G (NM_001410912.1); c.-39+12667C>G (NM_001309861.2); short protein forms A426G, Q364E.
Identifiers: ClinVar variation 3349743 (VCV003349743.1).

ClinVar aggregate classification (germline): Uncertain significance (0 of 4 stars; one submission).

Conditions:
GNAS-related disorder. Identifiers: MedGen CN380105.

gnomAD v4.1: 1 of 1,577,200 alleles (0.000063%); no homozygotes.

Submission:

PreventionGenetics, part of Exact Sciences
Classification: Uncertain significance for GNAS-related condition. Last evaluated: 2024-03-09. Review status: no assertion criteria provided. Collection method: clinical testing. Allele origin: germline.
Comment: The GNAS c.1277C>G variant is predicted to result in the amino acid substitution p.Ala426Gly. Of note, in the more commonly reported transcript (NM_000516.5) this variant is pre-coding (c.-37185A>G). To our knowledge, this variant has not been reported in the literature or in a large population database, indicating this variant is rare. At this time, the clinical significance of this variant is uncertain due to the absence of conclusive functional and genetic evidence.